The following is an entry in ClinVar:

NM_001256715.2(DNAAF3):c.1453G>A (p.Ala485Thr)

Gene: DNAAF3 (dynein axonemal assembly factor 3; minus strand). Cytogenetic location: 19q13.42.
Variant type: single nucleotide variant.
Coding change: c.1453G>A on transcript NM_001256715.2 (MANE Select); coding-DNA position 1453, G replaced by A.
Protein change: p.Ala485Thr; replaces alanine 485 with threonine.
Molecular consequence: missense variant.
Genome position (GRCh38, 1-based): chr19:55,159,235, C>T on the plus strand (G>A on the coding strand, the complement: DNAAF3 is on the minus strand). VCF-style: chr19-55159235-C-T. GRCh37 (hg19) VCF-style: chr19-55670603-C-T.
Other names: c.1654G>A, p.Ala552Thr (NM_001256714.1); c.1291G>A, p.Ala431Thr (NM_001256716.2); c.1594G>A, p.Ala532Thr (NM_178837.4); short protein forms A431T, A532T, A485T, A552T.
Identifiers: ClinVar variation 2908272 (VCV002908272.4), dbSNP rs1599916173, ClinGen allele CA407445714.

ClinVar aggregate classification (germline): Uncertain significance. Review status: criteria provided, multiple submitters, no conflicts (2 of 4 stars). 2 submissions from 2 submitters: Uncertain significance (2). Last evaluated 2025-06-02.

Conditions:
Primary ciliary dyskinesia. Also called: Ciliary dyskinesia. Identifiers: Orphanet 244, MedGen C0008780, MONDO:0016575, HP:0012265.

Submissions (2):

Labcorp Genetics (formerly Invitae), Labcorp
Classification: Uncertain significance for Primary ciliary dyskinesia. Last evaluated: 2025-06-02. Review status: criteria provided, single submitter. Criteria: Invitae Variant Classification Sherloc (09022015). Collection method: clinical testing. Allele origin: germline.
Comment: This sequence change replaces alanine, which is neutral and non-polar, with threonine, which is neutral and polar, at codon 552 of the DNAAF3 protein (p.Ala552Thr). This variant is not present in population databases (gnomAD no frequency). This variant has not been reported in the literature in individuals affected with DNAAF3-related conditions. ClinVar contains an entry for this variant (Variation ID: 2908272). An algorithm developed to predict the effect of missense changes on protein structure and function outputs the following: PolyPhen-2: "Benign". The threonine amino acid residue is found in multiple mammalian species, which suggests that this missense change does not adversely affect protein function. In summary, the available evidence is currently insufficient to determine the role of this variant in disease. Therefore, it has been classified as a Variant of Uncertain Significance.

Ambry Genetics
Classification: Uncertain significance for Primary ciliary dyskinesia. Last evaluated: 2023-12-09. Review status: criteria provided, single submitter. Criteria: Ambry Variant Classification Scheme 2023. Collection method: clinical testing. Allele origin: germline.